The following is an entry in ClinVar:

NM_001197104.2(KMT2A):c.4937C>A (p.Ser1646Tyr)

Gene: KMT2A (lysine methyltransferase 2A; plus strand). Cytogenetic location: 11q23.3.
Variant type: single nucleotide variant.
Coding change: c.4937C>A on transcript NM_001197104.2 (MANE Select); coding-DNA position 4937, C replaced by A.
Protein change: p.Ser1646Tyr; replaces serine 1646 with tyrosine.
Molecular consequence: missense variant.
Genome position (GRCh38, 1-based): chr11:118,491,861, C>A. VCF-style: chr11-118491861-C-A. GRCh37 (hg19) VCF-style: chr11-118362576-C-A.
Other names: c.5027C>A, p.Ser1676Tyr (NM_001412597.1); c.4928C>A, p.Ser1643Tyr (NM_005933.4); short protein forms S1643Y, S1646Y, S1676Y.
Identifiers: ClinVar variation 1720961 (VCV001720961.5), dbSNP rs2134341318, ClinGen allele CA382834996.

ClinVar aggregate classification (germline): Uncertain significance (1 of 4 stars; one submission).

Submission:

Labcorp Genetics (formerly Invitae), Labcorp
Classification: Uncertain significance. Last evaluated: 2022-07-20. Review status: criteria provided, single submitter. Criteria: Invitae Variant Classification Sherloc (09022015). Collection method: clinical testing. Allele origin: germline.
Comment: In summary, the available evidence is currently insufficient to determine the role of this variant in disease. Therefore, it has been classified as a Variant of Uncertain Significance. Advanced modeling of protein sequence and biophysical properties (such as structural, functional, and spatial information, amino acid conservation, physicochemical variation, residue mobility, and thermodynamic stability) performed at Invitae indicates that this missense variant is expected to disrupt KMT2A protein function. This variant has not been reported in the literature in individuals affected with KMT2A-related conditions. This variant is not present in population databases (gnomAD no frequency). This sequence change replaces serine, which is neutral and polar, with tyrosine, which is neutral and polar, at codon 1646 of the KMT2A protein (p.Ser1646Tyr).